The following is an entry in ClinVar:

ClinVar aggregate classification (germline): Pathogenic (1 of 4 stars; one submission).

Conditions:
Bethlem myopathy 1A. Also called: Bethlem myopathy 1; Bethlem Muscular Dystrophy; MYOPATHY, BENIGN CONGENITAL, WITH CONTRACTURES. Identifiers: Orphanet 610, MedGen CN029274, MONDO:0024530, OMIM 158810.

Submission:

Labcorp Genetics (formerly Invitae), Labcorp
Classification: Pathogenic for Bethlem myopathy 1A. Last evaluated: 2023-12-25. Review status: criteria provided, single submitter. Criteria: Invitae Variant Classification Sherloc (09022015). Collection method: clinical testing. Allele origin: germline.
Comment: This sequence change creates a premature translational stop signal (p.Leu62Tyrfs*5) in the COL6A3 gene. It is expected to result in an absent or disrupted protein product. Loss-of-function variants in COL6A3 are known to be pathogenic (PMID: 26004199). This variant is present in population databases (rs764524653, gnomAD 0.006%). This variant has not been reported in the literature in individuals affected with COL6A3-related conditions. ClinVar contains an entry for this variant (Variation ID: 1389288). For these reasons, this variant has been classified as Pathogenic.

Literature cited by the submitters: PubMed 26004199.

NM_004369.4(COL6A3):c.183del (p.Leu62fs)

Gene: COL6A3 (collagen type VI alpha 3 chain; minus strand). Cytogenetic location: 2q37.3.
Variant type: Deletion.
Coding change: c.183del on transcript NM_004369.4 (MANE Select); coding-DNA position 183, one base deleted (T; older notation c.183delT).
Protein change: p.Leu62fs; shifts the reading frame from leucine 62.
Molecular consequence: frameshift variant. On other transcripts: intron variant (4).
Genome position (GRCh38, 1-based): chr2:237,395,113, A deleted on the plus strand (T on the coding strand, the reverse complement: COL6A3 is on the minus strand); the first of 3 consecutive A bases (chr2:237,395,113-237,395,115); deleting any one gives the same sequence. VCF-style (leftmost placement, unchanged base first): chr2-237395112-GA-G. GRCh37 (hg19) VCF-style: chr2-238303755-GA-G.
Other names: c.91+1614del (NM_057166.5, NM_057167.4, NM_057164.5 and 1 more transcripts); short protein forms L62fs.
Identifiers: ClinVar variation 1389288 (VCV001389288.6), dbSNP rs764524653, ClinGen allele CA2189921.